The following is an entry in ClinVar:

NM_030665.4(RAI1):c.5708A>G (p.Lys1903Arg)

Gene: RAI1 (retinoic acid induced 1; plus strand). Cytogenetic location: 17p11.2.
Variant type: single nucleotide variant.
Coding change: c.5708A>G on transcript NM_030665.4 (MANE Select); coding-DNA position 5708, A replaced by G.
Protein change: p.Lys1903Arg; replaces lysine 1903 with arginine.
Molecular consequence: missense variant.
Genome position (GRCh38, 1-based): chr17:17,809,438, A>G. VCF-style: chr17-17809438-A-G. GRCh37 (hg19) VCF-style: chr17-17712752-A-G.
Other names: short protein forms K1903R.
Identifiers: ClinVar variation 1749195 (VCV001749195.2), dbSNP rs2543660532, ClinGen allele CA398560336.

ClinVar aggregate classification (germline): Uncertain significance (1 of 4 stars; one submission).

Conditions:
Inborn genetic diseases. Identifiers: MedGen C0950123, MeSH D030342.

Submission:

Ambry Genetics
Classification: Uncertain significance for Inborn genetic diseases. Last evaluated: 2018-11-01. Review status: criteria provided, single submitter. Criteria: Ambry Variant Classification Scheme 2023. Collection method: clinical testing. Allele origin: germline.
Comment: The p.K1903R variant (also known as c.5708A>G), located in coding exon 3 of the RAI1 gene, results from an A to G substitution at nucleotide position 5708. The lysine at codon 1903 is replaced by arginine, an amino acid with highly similar properties. This amino acid position is well conserved in available vertebrate species. In addition, this alteration is predicted to be tolerated by in silico analysis. Since supporting evidence is limited at this time, the clinical significance of this alteration remains unclear.